The following is an entry in ClinVar:

NM_001355436.2(SPTB):c.4443del (p.Gln1482fs)

Gene: SPTB (spectrin beta, erythrocytic; minus strand). Cytogenetic location: 14q23.3.
Variant type: Deletion.
Coding change: c.4443del on transcript NM_001355436.2 (MANE Select); coding-DNA position 4443, one base deleted (G; older notation c.4443delG).
Protein change: p.Gln1482fs; shifts the reading frame from glutamine 1482.
Molecular consequence: frameshift variant.
Genome position (GRCh38, 1-based): chr14:64,779,755, C deleted on the plus strand (G on the coding strand, the reverse complement: SPTB is on the minus strand). VCF-style (leftmost placement, unchanged base first): chr14-64779754-GC-G. GRCh37 (hg19) VCF-style: chr14-65246472-GC-G.
Other names: c.4443del, p.Gln1482fs (NM_001024858.4, NM_001355437.2); short protein forms Q1482fs.
Identifiers: ClinVar variation 3638173 (VCV003638173.2).
Genomic context (GRCh38, chr14:64,779,754, plus strand): 5'-AGGAGGTAGGGAGAAGCTGTGGCCCACGCACCGTCTCATCCTCTAAGTCCCGGCTGATCT[GC>G]AGCTTGGCTCTGGATGATTCCAGCTGCTTCTTCCTCCTTCCTAGGGGTTCCAGGAGGTCC-3'

ClinVar aggregate classification (germline): Pathogenic (1 of 4 stars; one submission).

Submission:

Labcorp Genetics (formerly Invitae), Labcorp
Classification: Pathogenic. Last evaluated: 2024-02-01. Review status: criteria provided, single submitter. Criteria: Invitae Variant Classification Sherloc (09022015). Collection method: clinical testing. Allele origin: germline.
Comment: This sequence change creates a premature translational stop signal (p.Gln1482Argfs*6) in the SPTB gene. It is expected to result in an absent or disrupted protein product. Loss-of-function variants in SPTB are known to be pathogenic (PMID: 1391962, 1498324, 8844207, 26830532, 27292444). This variant is not present in population databases (gnomAD no frequency). This variant has not been reported in the literature in individuals affected with SPTB-related conditions. For these reasons, this variant has been classified as Pathogenic.

Literature cited by the submitters: PubMed 1391962; PubMed 1498324; PubMed 8844207; PubMed 26830532; PubMed 27292444.